The following is an entry in ClinVar:

ClinVar aggregate classification (germline): Uncertain significance (1 of 4 stars; one submission).

Conditions:
Inborn genetic diseases. Identifiers: MedGen C0950123, MeSH D030342.

Submission:

Ambry Genetics
Classification: Uncertain significance for Inborn genetic diseases. Last evaluated: 2024-12-19. Review status: criteria provided, single submitter. Criteria: Ambry Variant Classification Scheme 2023. Collection method: clinical testing. Allele origin: germline.
Comment: The p.A52T variant (also known as c.154G>A), located in coding exon 2 of the ETV6 gene, results from a G to A substitution at nucleotide position 154. The alanine at codon 52 is replaced by threonine, an amino acid with similar properties. This amino acid position is conserved. In addition, this alteration is predicted to be tolerated by in silico analysis. Based on the available evidence, the clinical significance of this variant remains unclear.

NM_001987.5(ETV6):c.154G>A (p.Ala52Thr)

Gene: ETV6 (ETS variant transcription factor 6; plus strand). Cytogenetic location: 12p13.2.
Variant type: single nucleotide variant.
Coding change: c.154G>A on transcript NM_001987.5 (MANE Select); coding-DNA position 154, G replaced by A.
Protein change: p.Ala52Thr; replaces alanine 52 with threonine.
Molecular consequence: missense variant. On other transcripts: intron variant (1).
Genome position (GRCh38, 1-based): chr12:11,752,570, G>A. VCF-style: chr12-11752570-G-A. GRCh37 (hg19) VCF-style: chr12-11905504-G-A.
Other names: c.151G>A, p.Ala51Thr (NM_001413913.1); c.127G>A, p.Ala43Thr (NM_001413914.1); c.154G>A, p.Ala52Thr (NM_001413916.1, NM_001413917.1, NM_001413918.1); c.-101-86570G>A (NM_001413915.1); short protein forms A51T, A52T, A43T.
Identifiers: ClinVar variation 3846481 (VCV003846481.1).